The following is an entry in ClinVar:

NM_032119.4(ADGRV1):c.2104G>A (p.Val702Met)

Gene: ADGRV1 (adhesion G protein-coupled receptor V1; plus strand). Cytogenetic location: 5q14.3.
Variant type: single nucleotide variant.
Coding change: c.2104G>A on transcript NM_032119.4 (MANE Select); coding-DNA position 2104, G replaced by A.
Protein change: p.Val702Met; replaces valine 702 with methionine.
Molecular consequence: missense variant. On other transcripts: non-coding transcript variant (1).
Genome position (GRCh38, 1-based): chr5:90,637,812, G>A. VCF-style: chr5-90637812-G-A. GRCh37 (hg19) VCF-style: chr5-89933629-G-A.
Other names: short protein forms V702M.
Identifiers: ClinVar variation 842405 (VCV000842405.9), dbSNP rs1025516048, ClinGen allele CA121832691.

ClinVar aggregate classification (germline): Uncertain significance (1 of 4 stars; one submission).

Allele frequency attached by ClinVar (database versions not stated): TOPMed below 0.00001.

Submission:

Labcorp Genetics (formerly Invitae), Labcorp
Classification: Uncertain significance. Last evaluated: 2024-11-04. Review status: criteria provided, single submitter. Criteria: Invitae Variant Classification Sherloc (09022015). Collection method: clinical testing. Allele origin: germline.
Comment: This sequence change replaces valine, which is neutral and non-polar, with methionine, which is neutral and non-polar, at codon 702 of the ADGRV1 protein (p.Val702Met). This variant is not present in population databases (gnomAD no frequency). This variant has not been reported in the literature in individuals affected with ADGRV1-related conditions. ClinVar contains an entry for this variant (Variation ID: 842405). Invitae Evidence Modeling of protein sequence and biophysical properties (such as structural, functional, and spatial information, amino acid conservation, physicochemical variation, residue mobility, and thermodynamic stability) indicates that this missense variant is not expected to disrupt ADGRV1 protein function with a negative predictive value of 95%. In summary, the available evidence is currently insufficient to determine the role of this variant in disease. Therefore, it has been classified as a Variant of Uncertain Significance.